The following is an entry in ClinVar:

NM_001378.3(DYNC1I2):c.1857A>T (p.Ala619=)

Gene: DYNC1I2 (dynein cytoplasmic 1 intermediate chain 2; plus strand). Cytogenetic location: 2q31.1.
Variant type: single nucleotide variant.
Coding change: c.1857A>T on transcript NM_001378.3 (MANE Select); coding-DNA position 1857, A replaced by T.
Protein change: p.Ala619=; no amino-acid change (alanine 619 retained).
Molecular consequence: synonymous variant.
Genome position (GRCh38, 1-based): chr2:171,747,829, A>T. VCF-style: chr2-171747829-A-T. GRCh37 (hg19) VCF-style: chr2-172604339-A-T.
Other names: c.1776A>T, p.Ala592= (NM_001320884.2, NM_001271790.2); c.1836A>T, p.Ala612= (NM_001378455.1, NM_001378456.1); c.1857A>T, p.Ala619= (NM_001271785.2); c.1833A>T, p.Ala611= (NM_001271786.2, NM_001271787.2); c.1779A>T, p.Ala593= (NM_001271788.2, NM_001271789.2); c.1839A>T, p.Ala613= (NM_001320882.2, NM_001320883.2).
Identifiers: ClinVar variation 2651544 (VCV002651544.24), dbSNP rs369898794, ClinGen allele CA1965955.

ClinVar aggregate classification (germline): Likely benign (1 of 4 stars; one submission).

Allele frequency attached by ClinVar (database versions not stated): gnomAD exomes 0.00015; ExAC 0.00019; 1000 Genomes Project 30x 0.00031; gnomAD 0.00039; 1000 Genomes Project 0.00040; ESP Exome Variant Server 0.00042; TOPMed 0.00043.
gnomAD v4.1: 301 of 1,611,534 alleles (0.019%); highest among the groups gnomAD compares: Middle Eastern, 0.29%; no homozygotes.

Submission:

CeGaT Center for Human Genetics Tuebingen
Classification: Likely benign. Last evaluated: 2023-08-01. Review status: criteria provided, single submitter. Criteria: CeGaT Center For Human Genetics Tuebingen Variant Classification Criteria Version 2. Collection method: clinical testing. Allele origin: germline. Affected: yes. Observed: 2 variant alleles.
Comment: DYNC1I2: BP4, BP7